The following is an entry in ClinVar:

NM_001167.4(XIAP):c.643C>T (p.Arg215Cys)

Gene: XIAP (X-linked inhibitor of apoptosis; plus strand). Cytogenetic location: Xq25.
Variant type: single nucleotide variant.
Coding change: c.643C>T on transcript NM_001167.4 (MANE Select); coding-DNA position 643, C replaced by T.
Protein change: p.Arg215Cys; replaces arginine 215 with cysteine.
Molecular consequence: missense variant.
Genome position (GRCh38, 1-based): chrX:123,886,305, C>T. VCF-style: chrX-123886305-C-T. GRCh37 (hg19) VCF-style: chrX-123020155-C-T.
Other names: c.643C>T, p.Arg215Cys (NM_001204401.2, NM_001378590.1, NM_001378591.1 and 1 more transcripts); short protein forms R215C.
Identifiers: ClinVar variation 2187477 (VCV002187477.4), dbSNP rs778612322, ClinGen allele CA10508039.

ClinVar aggregate classification (germline): Uncertain significance (1 of 4 stars; one submission).

Conditions:
X-linked lymphoproliferative disease due to XIAP deficiency. Also called: XIAP DEFICIENCY; XIAP-Related Lymphoproliferative Disease, X-Linked. Identifiers: Orphanet 2442, Orphanet 538934, MedGen C1845076, MONDO:0010385, OMIM 300635.

Allele frequency attached by ClinVar (database versions not stated): ExAC 0.00001; TOPMed 0.00002; gnomAD 0.00003.

Submission:

Labcorp Genetics (formerly Invitae), Labcorp
Classification: Uncertain significance for X-linked lymphoproliferative disease due to XIAP deficiency. Last evaluated: 2025-01-22. Review status: criteria provided, single submitter. Criteria: Invitae Variant Classification Sherloc (09022015). Collection method: clinical testing. Allele origin: germline.
Comment: This sequence change replaces arginine, which is basic and polar, with cysteine, which is neutral and slightly polar, at codon 215 of the XIAP protein (p.Arg215Cys). This variant is present in population databases (rs778612322, gnomAD 0.004%), including at least one homozygous and/or hemizygous individual. This variant has not been reported in the literature in individuals affected with XIAP-related conditions. ClinVar contains an entry for this variant (Variation ID: 2187477). Invitae Evidence Modeling of protein sequence and biophysical properties (such as structural, functional, and spatial information, amino acid conservation, physicochemical variation, residue mobility, and thermodynamic stability) indicates that this missense variant is not expected to disrupt XIAP protein function with a negative predictive value of 80%. In summary, the available evidence is currently insufficient to determine the role of this variant in disease. Therefore, it has been classified as a Variant of Uncertain Significance.